The following is an entry in ClinVar:

ClinVar aggregate classification (germline): Uncertain significance (1 of 4 stars; one submission).

Conditions:
Episodic ataxia type 1 (EA1). Also called: ATAXIA, EPISODIC, WITH MYOKYMIA; Episodic ataxia/myokymia syndrome; MYOKYMIA WITH PERIODIC ATAXIA; PAROXYSMAL ATAXIA WITH NEUROMYOTONIA, HEREDITARY. Identifiers: Orphanet 37612, Orphanet 972, MedGen C1719788, MONDO:0008047, OMIM 160120.

Submission:

Labcorp Genetics (formerly Invitae), Labcorp
Classification: Uncertain significance for Episodic ataxia type 1. Last evaluated: 2025-01-27. Review status: criteria provided, single submitter. Criteria: Invitae Variant Classification Sherloc (09022015). Collection method: clinical testing. Allele origin: germline.
Comment: This sequence change creates a premature translational stop signal (p.Glu458*) in the KCNA1 gene. While this is not anticipated to result in nonsense mediated decay, it is expected to disrupt the last 38 amino acid(s) of the KCNA1 protein. This variant is not present in population databases (gnomAD no frequency). This premature translational stop signal has been observed in individual(s) with early onset epilepsy (internal data). ClinVar contains an entry for this variant (Variation ID: 1437224). Experimental studies and prediction algorithms are not available or were not evaluated, and the functional significance of this variant is currently unknown. In summary, the available evidence is currently insufficient to determine the role of this variant in disease. Therefore, it has been classified as a Variant of Uncertain Significance.

NM_000217.3(KCNA1):c.1372G>T (p.Glu458Ter)

Gene: KCNA1 (potassium voltage-gated channel subfamily A member 1; plus strand). Cytogenetic location: 12p13.32.
Variant type: single nucleotide variant.
Coding change: c.1372G>T on transcript NM_000217.3 (MANE Select); coding-DNA position 1372, G replaced by T.
Protein change: p.Glu458Ter; replaces glutamic acid 458 with a stop codon.
Molecular consequence: nonsense.
Genome position (GRCh38, 1-based): chr12:4,912,750, G>T. VCF-style: chr12-4912750-G-T. GRCh37 (hg19) VCF-style: chr12-5021916-G-T.
Other names: short protein forms E458*.
Identifiers: ClinVar variation 1437224 (VCV001437224.6), dbSNP rs1430522715, ClinGen allele CA383456637.
Genomic context (GRCh38, chr12:4,912,750, plus strand): 5'-GACAGTGACCTCAGTCGCCGCAGTTCCTCTACTATGAGCAAGTCTGAGTACATGGAGATC[G>T]AAGAGGATATGAATAATAGCATAGCCCATTATAGACAGGTCAATATCAGAACTGCCAATT-3'